The following is an entry in ClinVar:

ClinVar aggregate classification (germline): Uncertain significance (1 of 4 stars; one submission).

gnomAD v4.1: 2 of 1,613,086 alleles (0.00012%); highest among the groups gnomAD compares: South Asian, 0.0011%; no homozygotes.

Submission:

GeneDx
Classification: Uncertain significance. Last evaluated: 2025-01-28. Review status: criteria provided, single submitter. Criteria: GeneDx Variant Classification Process June 2021. Collection method: clinical testing. Allele origin: germline. Affected: yes.
Comment: Has not been previously published as pathogenic or benign to our knowledge; Not observed at significant frequency in large population cohorts (gnomAD); In silico analysis indicates that this missense variant does not alter protein structure/function

NM_003587.5(DHX16):c.844G>A (p.Glu282Lys)

Gene: DHX16 (DEAH-box helicase 16; minus strand). Cytogenetic location: 6p21.33.
Variant type: single nucleotide variant.
Coding change: c.844G>A on transcript NM_003587.5 (MANE Select); coding-DNA position 844, G replaced by A.
Protein change: p.Glu282Lys; replaces glutamic acid 282 with lysine.
Molecular consequence: missense variant. On other transcripts: 5 prime UTR variant (1).
Genome position (GRCh38, 1-based): chr6:30,665,556, C>T on the plus strand (G>A on the coding strand, the complement: DHX16 is on the minus strand). VCF-style: chr6-30665556-C-T. GRCh37 (hg19) VCF-style: chr6-30633333-C-T.
Other names: c.664G>A, p.Glu222Lys (NM_001164239.2); c.-1276G>A (NM_001363515.2); short protein forms E222K, E282K.
Identifiers: ClinVar variation 4072563 (VCV004072563.1).